The following is an entry in ClinVar:

ClinVar aggregate classification (germline): Uncertain significance (1 of 4 stars; one submission).

Conditions:
Amyotrophic lateral sclerosis type 21. Also called: MYOPATHY, DISTAL, 2; VOCAL CORD AND PHARYNGEAL DYSFUNCTION WITH DISTAL MYOPATHY. Identifiers: Orphanet 600, Orphanet 803, MedGen C3807521, MONDO:0011632, OMIM 606070.

Allele frequency attached by ClinVar (database versions not stated): gnomAD exomes below 0.00001; gnomAD 0.00001.

Submission:

Labcorp Genetics (formerly Invitae), Labcorp
Classification: Uncertain significance for Amyotrophic lateral sclerosis type 21. Last evaluated: 2018-05-23. Review status: criteria provided, single submitter. Criteria: Invitae Variant Classification Sherloc (09022015). Collection method: clinical testing. Allele origin: germline.
Comment: Algorithms developed to predict the effect of sequence changes on RNA splicing suggest that this variant is not likely to affect RNA splicing, but this prediction has not been confirmed by published transcriptional studies. In summary, this is a novel intronic change with uncertain impact on splicing. It has been classified as a Variant of Uncertain Significance. This sequence change falls in intron 16 of the MATR3 gene. It does not directly change the encoded amino acid sequence of the MATR3 protein, but it affects a nucleotide within the consensus splice site of the intron. This variant is not present in population databases (ExAC no frequency) and has not been reported in the literature in individuals with a MATR3-related disease.

NM_018834.6(MATR3):c.2372-3dup

Gene: MATR3 (matrin 3; plus strand). Cytogenetic location: 5q31.2.
Variant type: Duplication.
Coding change: c.2372-3dup on transcript NM_018834.6 (MANE Select); 3 bases into the intron before coding-DNA position 2372, one base duplicated (T; older notation c.2372-3dupT).
Molecular consequence: intron variant.
Genome position (GRCh38, 1-based): chr5:139,326,160, T duplicated. VCF-style (leftmost placement, unchanged base first): chr5-139326159-C-CT. GRCh37 (hg19) VCF-style: chr5-138661848-C-CT.
Other names: c.2372-3dup (NM_199189.3, NM_001194954.2, NM_001194955.2); c.1358-3dup (NM_001282278.2); c.1508-3dup (NM_001194956.2); c.2372-3dupT (NM_199189.2).
Identifiers: ClinVar variation 580361 (VCV000580361.9), dbSNP rs1561945483, ClinGen allele CA891842707.